The following is an entry in ClinVar:

ClinVar aggregate classification (germline): Uncertain significance (1 of 4 stars; one submission).

Conditions:
Acromesomelic dysplasia 3 (AMD3). Also called: CHONDRODYSPLASIA, ACROMESOMELIC, WITH OR WITHOUT GENITAL ANOMALIES; Acromesomelic dysplasia, Demirhan type. Identifiers: MedGen C4225404, MONDO:0012274, OMIM 609441.
Type A2 brachydactyly (BDA2). Also called: BRACHYMESOPHALANGY II; MOHR-WRIEDT TYPE BRACHYDACTYLY; Brachymesophalangy type 2. Identifiers: Orphanet 93396, MedGen C1832702, MONDO:0007216, OMIM 112600, HP:0009372.

Allele frequency attached by ClinVar (database versions not stated): ExAC 0.00002; gnomAD 0.00002; gnomAD exomes 0.00002; TOPMed 0.00002.
gnomAD v4.1: 20 of 1,613,672 alleles (0.0012%); highest among the groups gnomAD compares: Admixed American, 0.01%; no homozygotes.

Submission:

Labcorp Genetics (formerly Invitae), Labcorp
Classification: Uncertain significance for Type A2 brachydactyly; Acromesomelic dysplasia 3. Last evaluated: 2020-02-15. Review status: criteria provided, single submitter. Criteria: Invitae Variant Classification Sherloc (09022015). Collection method: clinical testing. Allele origin: germline.
Comment: In summary, the available evidence is currently insufficient to determine the role of this variant in disease. Therefore, it has been classified as a Variant of Uncertain Significance. This sequence change replaces leucine with valine at codon 277 of the BMPR1B protein (p.Leu277Val). The leucine residue is highly conserved and there is a small physicochemical difference between leucine and valine. This variant is present in population databases (rs755942515, ExAC 0.003%). This variant has not been reported in the literature in individuals with BMPR1B-related conditions. Algorithms developed to predict the effect of missense changes on protein structure and function (SIFT, PolyPhen-2, Align-GVGD) all suggest that this variant is likely to be disruptive, but these predictions have not been confirmed by published functional studies and their clinical significance is uncertain.

NM_001203.3(BMPR1B):c.829C>G (p.Leu277Val)

Gene: BMPR1B (bone morphogenetic protein receptor type 1B; plus strand). Cytogenetic location: 4q22.3.
Variant type: single nucleotide variant.
Coding change: c.829C>G on transcript NM_001203.3 (MANE Select); coding-DNA position 829, C replaced by G.
Protein change: p.Leu277Val; replaces leucine 277 with valine.
Molecular consequence: missense variant.
Genome position (GRCh38, 1-based): chr4:95,131,265, C>G. VCF-style: chr4-95131265-C-G. GRCh37 (hg19) VCF-style: chr4-96052416-C-G.
Other names: c.829C>G, p.Leu277Val (NM_001256792.2, NM_001256794.1); c.919C>G, p.Leu307Val (NM_001256793.2); short protein forms L277V, L307V.
Identifiers: ClinVar variation 1007561 (VCV001007561.9), dbSNP rs755942515, ClinGen allele CA3015110.